The following is an entry in ClinVar:

NM_145054.5(CFAP52):c.1369C>T (p.Leu457=)

Gene: CFAP52 (cilia and flagella associated protein 52; plus strand). Cytogenetic location: 17p13.1.
Variant type: single nucleotide variant.
Coding change: c.1369C>T on transcript NM_145054.5 (MANE Select); coding-DNA position 1369, C replaced by T.
Protein change: p.Leu457=; no amino-acid change (leucine 457 retained).
Molecular consequence: synonymous variant.
Genome position (GRCh38, 1-based): chr17:9,635,453, C>T. VCF-style: chr17-9635453-C-T. GRCh37 (hg19) VCF-style: chr17-9538770-C-T.
Other names: c.1165C>T, p.Leu389= (NM_001080556.2).
Identifiers: ClinVar variation 707357 (VCV000707357.19), dbSNP rs140517505, ClinGen allele CA8382217.

ClinVar aggregate classification (germline): Benign/Likely benign. Review status: criteria provided, multiple submitters, no conflicts (2 of 4 stars). 4 submissions from 4 submitters: Benign (2); Likely benign (2). Last evaluated 2026-07-01.

Conditions:
Situs inversus. Also called: Situs inversus totalis. Identifiers: Orphanet 101063, MedGen C4551493, MONDO:0010029, HP:0001696.

Allele frequency attached by ClinVar (database versions not stated): 1000 Genomes Project 30x 0.00156; 1000 Genomes Project 0.00160; TOPMed 0.00229; ESP Exome Variant Server 0.00238; gnomAD 0.00244 and 0.00245; gnomAD exomes 0.00248 and 0.00297; ExAC 0.00252.
gnomAD v4.1: 4,709 of 1,614,150 alleles (0.29%); highest among the groups gnomAD compares: Middle Eastern, 0.6%; 14 homozygotes.

Submissions (4):

CeGaT Center for Human Genetics Tuebingen
Classification: Likely benign. Last evaluated: 2026-07-01. Review status: criteria provided, single submitter. Criteria: CeGaT Center For Human Genetics Tuebingen Variant Classification Criteria Version 2. Collection method: clinical testing. Allele origin: germline. Affected: yes. Observed: 2 variant alleles.
Comment: CFAP52: BP4, BS2

Labcorp Genetics (formerly Invitae), Labcorp
Classification: Benign for Situs inversus. Last evaluated: 2026-01-21. Review status: criteria provided, single submitter. Criteria: Invitae Variant Classification Sherloc (09022015). Collection method: clinical testing. Allele origin: germline.

Blueprint Genetics
Classification: Likely benign. Last evaluated: 2024-11-27. Review status: criteria provided, single submitter. Criteria: ACMG Guidelines, 2015. Collection method: clinical testing. Allele origin: germline.

Breakthrough Genomics
Classification: Benign. Review status: criteria provided, single submitter. Criteria: ACMG Guidelines, 2015. Collection method: not provided. Allele origin: germline. Inheritance: Autosomal recessive inheritance. Affected: yes.